The following is an entry in ClinVar:

NM_001375524.1(TRRAP):c.8870A>G (p.Asn2957Ser)

Gene: TRRAP (transformation/transcription domain associated protein; plus strand). Cytogenetic location: 7q22.1.
Variant type: single nucleotide variant.
Coding change: c.8870A>G on transcript NM_001375524.1 (MANE Select); coding-DNA position 8870, A replaced by G.
Protein change: p.Asn2957Ser; replaces asparagine 2957 with serine.
Molecular consequence: missense variant.
Genome position (GRCh38, 1-based): chr7:98,983,307, A>G. VCF-style: chr7-98983307-A-G. GRCh37 (hg19) VCF-style: chr7-98580930-A-G.
Other names: c.8849A>G, p.Asn2950Ser (NM_001244580.2); c.8795A>G, p.Asn2932Ser (NM_003496.4); short protein forms N2932S, N2950S, N2957S.
Identifiers: ClinVar variation 1333498 (VCV001333498.6), dbSNP rs1198479657, ClinGen allele CA368313332.

ClinVar aggregate classification (germline): Conflicting classifications of pathogenicity. Review status: criteria provided, conflicting classifications (1 of 4 stars). 2 submissions from 2 submitters: Uncertain significance (1); Benign (1). Last evaluated 2022-10-24.

Conditions:
Developmental delay with or without dysmorphic facies and autism. Identifiers: MedGen C5193106, MONDO:0032760, OMIM 618454.

Allele frequency attached by ClinVar (database versions not stated): TOPMed below 0.00001; gnomAD 0.00001; gnomAD exomes 0.00001.
gnomAD v4.1: 19 of 1,614,012 alleles (0.0012%); highest among the groups gnomAD compares: Admixed American, 0.0017%; no homozygotes.

Submissions (2):

Labcorp Genetics (formerly Invitae), Labcorp
Classification: Benign. Last evaluated: 2022-10-24. Review status: criteria provided, single submitter. Criteria: Invitae Variant Classification Sherloc (09022015). Collection method: clinical testing. Allele origin: germline.

3billion
Classification: Uncertain significance for Developmental delay with or without dysmorphic facies and autism. Last evaluated: 2022-01-03. Review status: criteria provided, single submitter. Criteria: ACMG Guidelines, 2015. Collection method: clinical testing. Allele origin: germline. Affected: yes. Observed: 1 heterozygote.
Comment: The variant is not observed in the gnomAD v2.1.1 dataset (PM2_M). A missense variant is a common mechanism associated with Developmental delay with or without dysmorphic facies and autism (PP2_P). Therefore, this variant is classified as uncertain significance according to the recommendation of ACMG/AMP guideline.